The following is an entry in ClinVar:

ClinVar aggregate classification (germline): Uncertain significance. Review status: criteria provided, multiple submitters, no conflicts (2 of 4 stars). 2 submissions from 2 submitters: Uncertain significance (2). Last evaluated 2023-05-16.

Conditions:
KBG syndrome (KBGS). Also called: ANKRD11-Related KBG Syndrome. Identifiers: Orphanet 2332, MedGen C0220687, MONDO:0007846, OMIM 148050.

gnomAD v4.1: 4 of 1,598,742 alleles (0.00025%); highest among the groups gnomAD compares: Admixed American, 0.0017%; no homozygotes.

Submissions (2):

Labcorp Genetics (formerly Invitae), Labcorp
Classification: Uncertain significance for KBG syndrome. Last evaluated: 2023-05-16. Review status: criteria provided, single submitter. Criteria: Invitae Variant Classification Sherloc (09022015). Collection method: clinical testing. Allele origin: germline.
Comment: In summary, the available evidence is currently insufficient to determine the role of this variant in disease. Therefore, it has been classified as a Variant of Uncertain Significance. Advanced modeling of protein sequence and biophysical properties (such as structural, functional, and spatial information, amino acid conservation, physicochemical variation, residue mobility, and thermodynamic stability) performed at Invitae indicates that this missense variant is not expected to disrupt ANKRD11 protein function. This variant has not been reported in the literature in individuals affected with ANKRD11-related conditions. This variant is not present in population databases (gnomAD no frequency). This sequence change replaces alanine, which is neutral and non-polar, with proline, which is neutral and non-polar, at codon 2026 of the ANKRD11 protein (p.Ala2026Pro).

Blueprint Genetics
Classification: Uncertain significance. Last evaluated: 2022-02-26. Review status: criteria provided, single submitter. Criteria: ACMG Guidelines, 2015. Collection method: clinical testing. Allele origin: germline.

NM_013275.6(ANKRD11):c.6076G>C (p.Ala2026Pro)

Gene: ANKRD11 (ankyrin repeat domain 11; minus strand). Cytogenetic location: 16q24.3.
Variant type: single nucleotide variant.
Coding change: c.6076G>C on transcript NM_013275.6 (MANE Select); coding-DNA position 6076, G replaced by C.
Protein change: p.Ala2026Pro; replaces alanine 2026 with proline.
Molecular consequence: missense variant.
Genome position (GRCh38, 1-based): chr16:89,280,466, C>G on the plus strand (G>C on the coding strand, the complement: ANKRD11 is on the minus strand). VCF-style: chr16-89280466-C-G. GRCh37 (hg19) VCF-style: chr16-89346874-C-G.
Other names: c.6076G>C, p.Ala2026Pro (NM_001256182.2, NM_001256183.2); short protein forms A2026P.
Identifiers: ClinVar variation 2816806 (VCV002816806.4), dbSNP rs752781169, ClinGen allele CA397152120.